The following is an entry in ClinVar:

NM_001386393.1(PANK2):c.755_758del (p.Tyr252fs)

Gene: PANK2 (pantothenate kinase 2; plus strand). Cytogenetic location: 20p13.
Variant type: Deletion.
Coding change: c.755_758del on transcript NM_001386393.1 (MANE Select); coding-DNA positions 755 to 758, 4 bases deleted (ACTT; older notation c.755_758delACTT).
Protein change: p.Tyr252fs; shifts the reading frame from tyrosine 252.
Molecular consequence: frameshift variant. On other transcripts: 5 prime UTR variant (1), non-coding transcript variant (1).
Genome position (GRCh38, 1-based): chr20:3,910,680-3,910,683, ACTT deleted; deleting any 4 consecutive bases within chr20:3,910,678-3,910,683 gives the same sequence; the c. name uses the placement nearest the transcript's 3' end. VCF-style (leftmost placement, unchanged base first): chr20-3910677-ATTAC-A. GRCh37 (hg19) VCF-style: chr20-3891324-ATTAC-A.
Other names: c.212_215del, p.Tyr71fs (NM_001324191.2, NM_024960.6, NM_153640.4); c.-224_-221del (NM_001324193.2); c.1085_1088del, p.Tyr362fs (NM_153638.4); short protein forms Y362fs, Y71fs, Y252fs.
Identifiers: ClinVar variation 807647 (VCV000807647.17), dbSNP rs1600542260, ClinGen allele CA915953087.

ClinVar aggregate classification (germline): Pathogenic/Likely pathogenic. Review status: criteria provided, multiple submitters, no conflicts (2 of 4 stars). 3 submissions from 3 submitters: Pathogenic (2); Likely pathogenic (1). Last evaluated 2025-01-01.

Conditions:
Pigmentary pallidal degeneration (NBIA1). Also called: HARP SYNDROME; Pantothenate Kinase-Associated Neurodegeneration; PKAN NEUROAXONAL DYSTROPHY, JUVENILE-ONSET; Neurodegeneration with brain iron accumulation 1; Neuroaxonal dystrophy, late infantile; Hallervorden-Spatz disease. Identifiers: Orphanet 157850, MedGen C0018523, MONDO:0009319, OMIM 234200.
PANK2-related disorder. Also called: PANK2-related condition.

Submissions (3):

CeGaT Center for Human Genetics Tuebingen
Classification: Pathogenic. Last evaluated: 2025-01-01. Review status: criteria provided, single submitter. Criteria: CeGaT Center For Human Genetics Tuebingen Variant Classification Criteria Version 2. Collection method: clinical testing. Allele origin: germline. Affected: yes. Observed: 1 variant allele.
Comment: PANK2: PVS1, PM2

Institute of Human Genetics Munich, TUM University Hospital
Classification: Pathogenic for Pigmentary pallidal degeneration. Last evaluated: 2019-09-17. Review status: criteria provided, single submitter. Criteria: Classification criteria August 2017. Collection method: clinical testing. Allele origin: paternal. Inheritance: Autosomal recessive inheritance. Affected: yes. Observed: 1 compound heterozygote.

Blueprint Genetics
Classification: Likely pathogenic for PANK2-related disorders. Last evaluated: 2019-03-29. Review status: criteria provided, single submitter. Criteria: ACMG Guidelines, 2015. Collection method: clinical testing. Allele origin: germline. Affected: yes. Observed: 1 variant allele.